The following is an entry in ClinVar:

ClinVar aggregate classification (germline): Likely benign (0 of 4 stars; one submission).

Conditions:
TSHZ3-related disorder. Also called: TSHZ3-related condition.

Allele frequency attached by ClinVar (database versions not stated): gnomAD exomes 0.00001; gnomAD 0.00002; TOPMed 0.00002; ESP Exome Variant Server 0.00008.
gnomAD v4.1: 17 of 1,604,286 alleles (0.0011%); highest among the groups gnomAD compares: African/African-American, 0.0094%; no homozygotes.

Submission:

PreventionGenetics, part of Exact Sciences
Classification: Likely benign for TSHZ3-related condition. Last evaluated: 2019-06-04. Review status: no assertion criteria provided. Collection method: clinical testing. Allele origin: germline.
Comment: This variant is classified as likely benign based on ACMG/AMP sequence variant interpretation guidelines (Richards et al. 2015 PMID: 25741868, with internal and published modifications).

NM_020856.4(TSHZ3):c.2274G>A (p.Ala758=)

Gene: TSHZ3 (teashirt zinc finger homeobox 3; minus strand). Cytogenetic location: 19q12.
Variant type: single nucleotide variant.
Coding change: c.2274G>A on transcript NM_020856.4 (MANE Select); coding-DNA position 2274, G replaced by A.
Protein change: p.Ala758=; no amino-acid change (alanine 758 retained).
Molecular consequence: synonymous variant.
Genome position (GRCh38, 1-based): chr19:31,277,519, C>T on the plus strand (G>A on the coding strand, the complement: TSHZ3 is on the minus strand). VCF-style: chr19-31277519-C-T. GRCh37 (hg19) VCF-style: chr19-31768425-C-T.
Identifiers: ClinVar variation 3044988 (VCV003044988.2), dbSNP rs376822944, ClinGen allele CA306876685.